The following is an entry in ClinVar:

ClinVar aggregate classification (germline): Likely pathogenic (1 of 4 stars; one submission).

Conditions:
Familial cancer of breast. Also called: Hereditary breast cancer; BREAST CANCER, FAMILIAL; hereditary breast carcinoma. Identifiers: Orphanet 227535, MedGen C0346153, MONDO:0016419, OMIM 114480. Disease mechanism: loss of function.

Submission:

Myriad Genetics, Inc.
Classification: Likely pathogenic for Familial cancer of breast. Last evaluated: 2023-06-22. Review status: criteria provided, single submitter. Criteria: Myriad Autosomal Dominant, Autosomal Recessive and X-Linked Classification Criteria (2023). Collection method: clinical testing. Allele origin: unknown.
Comment: This variant is considered likely pathogenic. This variant is located within the gene translation start codon (p.Met1?) and is predicted to result in abnormal protein translation.

NM_007194.4(CHEK2):c.-6-5_6del

Gene: CHEK2 (checkpoint kinase 2; minus strand). Cytogenetic location: 22q12.1.
Variant type: Deletion.
Coding change: c.-6-5_6del on transcript NM_007194.4 (MANE Select); 5 bases into the intron before 6 bases upstream of the start codon through coding-DNA position 6, 17 bases deleted (TTGAGGTCGTGATGTCT).
Molecular consequence: splice acceptor variant, initiator codon variant. On other transcripts: intron variant (1).
Genome position (GRCh38, 1-based): chr22:28,734,716-28,734,732, AGACATCACGACCTCAA deleted on the plus strand (TTGAGGTCGTGATGTCT on the coding strand, the reverse complement: CHEK2 is on the minus strand); deleting any 17 consecutive bases within chr22:28,734,716-28,734,733 gives the same sequence; the c. name uses the placement nearest the transcript's 3' end. VCF-style (leftmost placement, unchanged base first): chr22-28734715-GAGACATCACGACCTCAA-G. GRCh37 (hg19) VCF-style: chr22-29130703-GAGACATCACGACCTCAA-G.
Other names: c.-345+7037_-345+7053del (NM_001437942.1); c.-6-5_6del (NM_001349956.3, NM_145862.3, NM_001438295.1 and 3 more transcripts); c.-783-5_-772del (NM_001257387.3).
Identifiers: ClinVar variation 2583379 (VCV002583379.2), dbSNP rs2518136412, ClinGen allele CA2582342786.
Genomic context (GRCh38, chr22:28,734,715, plus strand): 5'-CATGGGGCTGTGAACAGGCACTGCTGCCATGAGACTGCTGAGCCTCAACATCCGACTCCC[GAGACATCACGACCTCAA>G]AAAGAAAGTGTCCAACAACAAAGGTGAGTTTCAAGGCACAAGACTTAAAATTAAAAAGTA-3'